The following is an entry in ClinVar:

NM_001844.5(COL2A1):c.2789G>A (p.Gly930Asp)

Gene: COL2A1 (collagen type II alpha 1 chain; minus strand). Cytogenetic location: 12q13.11.
Variant type: single nucleotide variant.
Coding change: c.2789G>A on transcript NM_001844.5 (MANE Select); coding-DNA position 2789, G replaced by A.
Protein change: p.Gly930Asp; replaces glycine 930 with aspartic acid.
Molecular consequence: missense variant.
Genome position (GRCh38, 1-based): chr12:47,978,703, C>T on the plus strand (G>A on the coding strand, the complement: COL2A1 is on the minus strand). VCF-style: chr12-47978703-C-T. GRCh37 (hg19) VCF-style: chr12-48372486-C-T.
Other names: c.2582G>A, p.Gly861Asp (NM_033150.3); short protein forms G930D, G861D.
Identifiers: ClinVar variation 521492 (VCV000521492.5), dbSNP rs1555165501, ClinGen allele CA384542333.

ClinVar aggregate classification (germline): Likely pathogenic. Review status: criteria provided, multiple submitters, no conflicts (2 of 4 stars). 2 submissions from 2 submitters: Likely pathogenic (2). Last evaluated 2026-02-10.

Conditions:
Inborn genetic diseases. Identifiers: MedGen C0950123, MeSH D030342.
Fetal anomalies with a likely genetic cause.

Submissions (2):

Genetics Laboratory, Great Ormond Street Hospital NHS Foundation Trust, North Thames Genomic Laboratory Hub
Classification: Likely pathogenic for Fetal anomalies with a likely genetic cause. Last evaluated: 2026-02-10. Review status: criteria provided, single submitter. Criteria: ACGS Best Practice Guidelines for Variant Classification in Rare Disease 2024 v1.2. Collection method: clinical testing. Allele origin: germline. Affected: yes.
Comment: PS4_supporting, PM2_moderate, PP3_supporting, PM1_strong, PS2_supporting

Ambry Genetics
Classification: Likely pathogenic for Inborn genetic diseases. Last evaluated: 2017-02-07. Review status: criteria provided, single submitter. Criteria: Ambry exome assertion method (8-5-2015). Collection method: clinical testing. Allele origin: germline. Affected: yes. Observed: 1 variant allele.